The following is an entry in ClinVar:

NM_012330.4(KAT6B):c.589C>G (p.Pro197Ala)

Gene: KAT6B (lysine acetyltransferase 6B; plus strand). Cytogenetic location: 10q22.2.
Variant type: single nucleotide variant.
Coding change: c.589C>G on transcript NM_012330.4 (MANE Select); coding-DNA position 589, C replaced by G.
Protein change: p.Pro197Ala; replaces proline 197 with alanine.
Molecular consequence: missense variant.
Genome position (GRCh38, 1-based): chr10:74,843,446, C>G. VCF-style: chr10-74843446-C-G. GRCh37 (hg19) VCF-style: chr10-76603204-C-G.
Other names: c.589C>G, p.Pro197Ala (NM_001256468.2, NM_001256469.2, NM_001370132.1 and 10 more transcripts); c.51C>G, p.His17Gln (NM_001370134.1, NM_001370135.1); short protein forms H17Q, P197A.
Identifiers: ClinVar variation 2505961 (VCV002505961.1), dbSNP rs2548337056, ClinGen allele CA377400358.

ClinVar aggregate classification (germline): Uncertain significance (1 of 4 stars; one submission).

Submission:

GeneDx
Classification: Uncertain significance. Last evaluated: 2022-12-14. Review status: criteria provided, single submitter. Criteria: GeneDx Variant Classification Process June 2021. Collection method: clinical testing. Allele origin: germline. Affected: yes.
Comment: Not observed at significant frequency in large population cohorts (gnomAD); In silico analysis supports that this missense variant has a deleterious effect on protein structure/function; Has not been previously published as pathogenic or benign to our knowledge